The following is an entry in ClinVar:

ClinVar aggregate classification (germline): Conflicting classifications of pathogenicity. Review status: criteria provided, conflicting classifications (1 of 4 stars). 4 submissions from 4 submitters: Uncertain significance (3); Likely benign (1). Last evaluated 2025-06-04.

Conditions:
Ataxia-telangiectasia-like disorder (ATLD). Identifiers: MedGen C1858391, MONDO:0011457.

Allele frequency attached by ClinVar (database versions not stated): gnomAD exomes below 0.00001; TOPMed below 0.00001; ExAC 0.00001.
gnomAD v4.1: 2 of 1,605,360 alleles (0.00012%); highest among the groups gnomAD compares: Admixed American, 0.0017%; no homozygotes.

Submissions (4):

Labcorp Genetics (formerly Invitae), Labcorp
Classification: Likely benign for Ataxia-telangiectasia-like disorder. Last evaluated: 2025-06-04. Review status: criteria provided, single submitter. Criteria: Invitae Variant Classification Sherloc (09022015). Collection method: clinical testing. Allele origin: germline.

Athena Diagnostics
Classification: Uncertain significance. Last evaluated: 2023-11-10. Review status: criteria provided, single submitter. Criteria: Athena Diagnostics Criteria. Collection method: clinical testing. Allele origin: unknown.
Comment: Available data are insufficient to determine the clinical significance of the variant at this time. The frequency of this variant in the general population is uninformative in assessment of its pathogenicity. Computational tools yielded predictions that this variant is unlikely to have an effect on normal RNA splicing.

Quest Diagnostics Nichols Institute San Juan Capistrano
Classification: Uncertain significance. Last evaluated: 2023-06-08. Review status: criteria provided, single submitter. Criteria: Quest Diagnostics criteria. Collection method: clinical testing. Allele origin: unknown.

Women's Health and Genetics/Laboratory Corporation of America, LabCorp
Classification: Uncertain significance. Last evaluated: 2022-02-21. Review status: criteria provided, single submitter. Criteria: LabCorp Variant Classification Summary - May 2015. Collection method: clinical testing. Allele origin: germline.
Comment: Variant summary: MRE11 c.660-7G>T alters a non-conserved nucleotide located close to a canonical splice site and therefore could affect mRNA splicing, leading to a significantly altered protein sequence. 4/4 computational tools predict no significant impact on normal splicing. However, these predictions have yet to be confirmed by functional studies. The variant allele was found at a frequency of 4.1e-06 in 244304 control chromosomes (gnomAD). The available data on variant occurrences in the general population are insufficient to allow any conclusion about variant significance. c.660-7G>T has been reported in the literature in at least one individual affected with Hereditary Breast And/or Ovarian Cancer without evidence for causality (Damiola_2014). This report does not provide unequivocal conclusions about association of the variant with Hereditary Breast And Ovarian Cancer Syndrome. To our knowledge, no experimental evidence demonstrating an impact on protein function has been reported. One clinical diagnostic laboratory has submitted clinical-significance assessments for this variant to ClinVar after 2014 and classified the variant as likely benign. Based on the evidence outlined above, the variant was classified as uncertain significance.

Literature cited by the submitters: PubMed 24894818 (cited by 3 submitters).

NM_005591.4(MRE11):c.660-7G>T

Gene: MRE11 (MRE11 double strand break repair nuclease; minus strand). Cytogenetic location: 11q21.
Variant type: single nucleotide variant.
Coding change: c.660-7G>T on transcript NM_005591.4 (MANE Select); 7 bases into the intron before coding-DNA position 660, G replaced by T.
Molecular consequence: intron variant.
Genome position (GRCh38, 1-based): chr11:94,471,766, C>A on the plus strand (G>T on the coding strand, the complement: MRE11 is on the minus strand). VCF-style: chr11-94471766-C-A. GRCh37 (hg19) VCF-style: chr11-94204932-C-A.
Other names: c.660-7G>T (NM_001330347.2, NM_005590.4).
Identifiers: ClinVar variation 1098945 (VCV001098945.11), dbSNP rs761857022, ClinGen allele CA6235319.